The following is an entry in ClinVar:

ClinVar aggregate classification (germline): Uncertain significance (0 of 4 stars; one submission).

Conditions:
KSR2-related disorder. Also called: KSR2-related condition.

gnomAD v4.1: 35 of 1,613,466 alleles (0.0022%); highest among the groups gnomAD compares: Non-Finnish European, 0.0027%; no homozygotes.

Submission:

PreventionGenetics, part of Exact Sciences
Classification: Uncertain significance for KSR2-related condition. Last evaluated: 2024-05-13. Review status: no assertion criteria provided. Collection method: clinical testing. Allele origin: germline.
Comment: The KSR2 c.2714G>A variant is predicted to result in the amino acid substitution p.Arg905Gln. To our knowledge, this variant has not been reported in the literature. This variant is reported in 0.0056% of alleles in individuals of East Asian descent in gnomAD. At this time, the clinical significance of this variant is uncertain due to the absence of conclusive functional and genetic evidence.

NM_173598.6(KSR2):c.2801G>A (p.Arg934Gln)

Gene: KSR2 (kinase suppressor of ras 2; minus strand). Cytogenetic location: 12q24.22.
Variant type: single nucleotide variant.
Coding change: c.2801G>A on transcript NM_173598.6 (MANE Select); coding-DNA position 2801, G replaced by A.
Protein change: p.Arg934Gln; replaces arginine 934 with glutamine.
Molecular consequence: missense variant.
Genome position (GRCh38, 1-based): chr12:117,469,707, C>T on the plus strand (G>A on the coding strand, the complement: KSR2 is on the minus strand). VCF-style: chr12-117469707-C-T. GRCh37 (hg19) VCF-style: chr12-117907512-C-T.
Other names: short protein forms R934Q.
Identifiers: ClinVar variation 3354079 (VCV003354079.1).